The following is an entry in ClinVar:

ClinVar aggregate classification (germline): Pathogenic (1 of 4 stars; one submission).

Conditions:
CD36-related disorder. Also called: CD36-related condition; CD36-related disorders.

Submission:

Women's Health and Genetics/Laboratory Corporation of America, LabCorp
Classification: Pathogenic for CD36-Related Disorders. Last evaluated: 2025-05-29. Review status: criteria provided, single submitter. Criteria: LabCorp Variant Classification Summary - May 2015. Collection method: clinical testing. Allele origin: germline.
Comment: Variant summary: CD36 c.15delG (p.Asn6ThrfsX21) results in a premature termination codon, predicted to cause a truncation of the encoded protein or absence of the protein due to nonsense mediated decay, which are commonly known mechanisms for disease. The variant was absent in 251310 control chromosomes. To our knowledge, no occurrence of c.15delG in individuals affected with CD36-Related Disorders and no experimental evidence demonstrating its impact on protein function have been reported. No submitters have cited clinical-significance assessments for this variant to ClinVar. Based on the evidence outlined above, the variant was classified as pathogenic.

NM_001001548.3(CD36):c.15del (p.Asn6fs)

Gene: CD36 (CD36 molecule (CD36 blood group); plus strand). Cytogenetic location: 7q21.11.
Variant type: Deletion.
Coding change: c.15del on transcript NM_001001548.3 (MANE Select); coding-DNA position 15, one base deleted (G; older notation c.15delG).
Protein change: p.Asn6fs; shifts the reading frame from asparagine 6.
Molecular consequence: frameshift variant. On other transcripts: 5 prime UTR variant (1), non-coding transcript variant (1), intron variant (2).
Genome position (GRCh38, 1-based): chr7:80,646,755, G deleted; the last of 2 consecutive G bases (chr7:80,646,754-80,646,755); deleting either gives the same sequence. VCF-style (leftmost placement, unchanged base first): chr7-80646753-CG-C. GRCh37 (hg19) VCF-style: chr7-80276069-CG-C.
Other names: c.15delG (NM_001001547.3); c.15del, p.Asn6fs (NM_000072.3, NM_001001547.3, NM_001127443.2 and 8 more transcripts); c.-468del (NM_001371081.1); c.-108-9785del (NM_001289911.2); c.-184-14308del (NM_001371080.1); short protein forms N6fs.
Identifiers: ClinVar variation 3902427 (VCV003902427.1).